The following is an entry in ClinVar:

NM_000069.3(CACNA1S):c.3759G>T (p.Val1253=)

Gene: CACNA1S (calcium voltage-gated channel subunit alpha1 S; minus strand). Cytogenetic location: 1q32.1.
Variant type: single nucleotide variant.
Coding change: c.3759G>T on transcript NM_000069.3 (MANE Select); coding-DNA position 3759, G replaced by T.
Protein change: p.Val1253=; no amino-acid change (valine 1253 retained).
Molecular consequence: synonymous variant.
Genome position (GRCh38, 1-based): chr1:201,053,495, C>A on the plus strand (G>T on the coding strand, the complement: CACNA1S is on the minus strand). VCF-style: chr1-201053495-C-A. GRCh37 (hg19) VCF-style: chr1-201022623-C-A.
Identifiers: ClinVar variation 2418740 (VCV002418740.9), dbSNP rs1660730013, ClinGen allele CA422719572.
Genomic context (GRCh38, chr1:201,053,495, plus strand): 5'-CAGTTTCCAGGGTCCCTGTTGCACCTGGAAGGACTTGATGAACGTCCACAGGAGGGTTCG[C>A]ACTCCTTCTGCCCGGCTCAGCAGCTTGATCAGCCTCATGACACGGAACAGGCGGAAGAAG-3'
Protein context (NP_000060.2, residues 1243-1263): LIKLLSRAEG[Val1253=]RTLLWTFIKS

ClinVar aggregate classification (germline): Likely benign. Review status: criteria provided, multiple submitters, no conflicts (2 of 4 stars). 2 submissions from 2 submitters: Likely benign (2). Last evaluated 2023-11-20.

Conditions:
Malignant hyperthermia, susceptibility to, 5 (MHS5). Also called: CACNA1S-Related Malignant Hyperthermia Susceptibility. Identifiers: Orphanet 423, MedGen C1866077, MONDO:0011163, OMIM 601887.
Hypokalemic periodic paralysis, type 1. Also called: HypoPP; Hypokalemic Periodic Paralysis Type 1 (AD). Identifiers: Orphanet 681, MedGen C3714580, MONDO:0042979, OMIM 170400.

Allele frequency attached by ClinVar (database versions not stated): gnomAD exomes below 0.00001; TOPMed below 0.00001; gnomAD 0.00001.
gnomAD v4.1: 7 of 1,614,066 alleles (0.00043%); highest among the groups gnomAD compares: Non-Finnish European, 0.00059%; no homozygotes.

Submissions (2):

All of Us Research Program, National Institutes of Health
Classification: Likely benign for Malignant hyperthermia, susceptibility to, 5. Last evaluated: 2023-11-20. Review status: criteria provided, single submitter. Criteria: ACMG Guidelines, 2015. Collection method: clinical testing. Allele origin: germline. Inheritance: Autosomal dominant inheritance. Observed: 1 variant allele, 1 heterozygote.
Comment: This study involves interpretation of variants in research participants for the purpose of population health screening. Participant phenotype was not available at the time of variant classification. Additional details can be found in publication PMID: 35346344, PMCID: PMC8962531

Labcorp Genetics (formerly Invitae), Labcorp
Classification: Likely benign for Hypokalemic periodic paralysis, type 1; Malignant hyperthermia, susceptibility to, 5. Last evaluated: 2022-05-29. Review status: criteria provided, single submitter. Criteria: Invitae Variant Classification Sherloc (09022015). Collection method: clinical testing. Allele origin: germline.